The following is an entry in ClinVar:

ClinVar aggregate classification (germline): Benign/Likely benign. Review status: criteria provided, multiple submitters, no conflicts (2 of 4 stars). 7 submissions from 7 submitters: Benign (1); Likely benign (5). 1 of the submissions does not count toward it. Last evaluated 2026-01-17.

Conditions:
Inborn genetic diseases. Identifiers: MedGen C0950123, MeSH D030342.
TUBGCP4-related disorder. Also called: TUBGCP4-related condition.

Allele frequency attached by ClinVar (database versions not stated): gnomAD exomes 0.00024 and 0.00108; gnomAD 0.00031 and 0.00033; TOPMed 0.00056; 1000 Genomes Project 30x 0.00078; 1000 Genomes Project 0.00080; ExAC 0.00098.
gnomAD v4.1: 392 of 1,613,888 alleles (0.024%); highest among the groups gnomAD compares: Admixed American, 0.58%; no homozygotes.

Submissions (8):

Labcorp Genetics (formerly Invitae), Labcorp
Classification: Benign. Last evaluated: 2026-01-17. Review status: criteria provided, single submitter. Criteria: Invitae Variant Classification Sherloc (09022015). Collection method: clinical testing. Allele origin: germline.

Blueprint Genetics
Classification: Likely benign. Last evaluated: 2024-11-11. Review status: criteria provided, single submitter. Criteria: ACMG Guidelines, 2015. Collection method: clinical testing. Allele origin: germline.

Ambry Genetics
Classification: Likely benign for Inborn genetic diseases. Last evaluated: 2021-06-30. Review status: criteria provided, single submitter. Criteria: Ambry Variant Classification Scheme 2023. Collection method: clinical testing. Allele origin: germline.

GeneDx
Classification: Likely benign. Last evaluated: 2020-03-30. Review status: criteria provided, single submitter. Criteria: GeneDx Variant Classification Process June 2021. Collection method: clinical testing. Allele origin: germline. Affected: yes.

Genetic Services Laboratory, University of Chicago
Classification: Likely benign. Last evaluated: 2018-08-14. Review status: criteria provided, single submitter. Criteria: ACMG Guidelines, 2015. Collection method: clinical testing. Allele origin: germline. Affected: no.

Breakthrough Genomics
Classification: Likely benign. Review status: criteria provided, single submitter. Criteria: ACMG Guidelines, 2015. Collection method: not provided. Allele origin: germline. Inheritance: Autosomal recessive inheritance. Affected: yes.

PreventionGenetics, part of Exact Sciences
Classification: Benign for TUBGCP4-related condition. Last evaluated: 2019-08-29. Review status: no assertion criteria provided. Collection method: clinical testing. Allele origin: germline. Not counted in ClinVar's aggregate classification.
Comment: This variant is classified as benign based on ACMG/AMP sequence variant interpretation guidelines (Richards et al. 2015 PMID: 25741868, with internal and published modifications).

Dr. Peter K. Rogan Lab, Western University
No classification provided (evidence only). Condition: Cervical cancer. Review status: no classification provided. Collection method: in vitro. Allele origin: not applicable. Functional consequence: retained intron. Not counted in ClinVar's aggregate classification.

NM_014444.5(TUBGCP4):c.368A>G (p.Asn123Ser)

Gene: TUBGCP4 (tubulin gamma complex component 4; plus strand). Cytogenetic location: 15q15.3.
Variant type: single nucleotide variant.
Coding change: c.368A>G on transcript NM_014444.5 (MANE Select); coding-DNA position 368, A replaced by G.
Protein change: p.Asn123Ser; replaces asparagine 123 with serine.
Molecular consequence: missense variant.
Genome position (GRCh38, 1-based): chr15:43,377,051, A>G. VCF-style: chr15-43377051-A-G. GRCh37 (hg19) VCF-style: chr15-43669249-A-G.
Other names: c.368A>G (NM_014444.2); c.368A>G, p.Asn123Ser (NM_001286414.3); short protein forms N123S.
Identifiers: ClinVar variation 791098 (VCV000791098.23), dbSNP rs188822226, ClinGen allele CA7523751.
Genomic context (GRCh38, chr15:43,377,051, plus strand): 5'-AATCACAAAGTTTTTTATTGCAGTTCCTGGGTGATCCCCATCTCTCCATATCACATGTCA[A>G]CTACTTCCTAGACCAGGTATGCTGCCCAAATAACCAAATGCCTTGCAATCTGTTGATAGT-3'
Protein context (NP_055259.2, residues 113-133): GDPHLSISHV[Asn123Ser]YFLDQFQLLF